The following is an entry in ClinVar:

NM_001267550.2(TTN):c.104720T>C (p.Ile34907Thr)

Genes: TTN-AS1 (TTN antisense RNA 1; plus strand), TTN (titin; minus strand). Cytogenetic location: 2q31.2.
Variant type: single nucleotide variant.
Coding change: c.104720T>C on transcript NM_001267550.2 (MANE Select); coding-DNA position 104720, T replaced by C.
Protein change: p.Ile34907Thr; replaces isoleucine 34907 with threonine.
Molecular consequence: missense variant.
Genome position (GRCh38, 1-based): chr2:178,531,895, A>G on the plus strand (T>C on the coding strand, the complement: TTN is on the minus strand). VCF-style: chr2-178531895-A-G. GRCh37 (hg19) VCF-style: chr2-179396622-A-G.
Other names: c.99797T>C, p.Ile33266Thr (NM_001256850.1); c.77525T>C, p.Ile25842Thr (NM_003319.4); c.97016T>C, p.Ile32339Thr (NM_133378.4); c.77900T>C, p.Ile25967Thr (NM_133432.3); c.78101T>C, p.Ile26034Thr (NM_133437.4); short protein forms I25967T, I26034T, I34907T, I25842T, I32339T, I33266T.
Identifiers: ClinVar variation 2922152 (VCV002922152.3), dbSNP rs267599021, ClinGen allele CA349411074.

ClinVar aggregate classification (germline): Uncertain significance (1 of 4 stars; one submission).

Conditions:
Dilated cardiomyopathy 1G (CMD1G). Identifiers: Orphanet 154, MedGen C1858763, MONDO:0011400, OMIM 604145.
Autosomal recessive limb-girdle muscular dystrophy type 2J (LGMDR10). Also called: Limb-girdle muscular dystrophy, type 2J; MUSCULAR DYSTROPHY, LIMB-GIRDLE, AUTOSOMAL RECESSIVE 10. Identifiers: Orphanet 140922, MedGen C1837342, MONDO:0012127, OMIM 608807.

Submission:

Labcorp Genetics (formerly Invitae), Labcorp
Classification: Uncertain significance for Dilated cardiomyopathy 1G; Autosomal recessive limb-girdle muscular dystrophy type 2J. Last evaluated: 2024-01-15. Review status: criteria provided, single submitter. Criteria: Invitae Variant Classification Sherloc (09022015). Collection method: clinical testing. Allele origin: germline.
Comment: This sequence change replaces isoleucine, which is neutral and non-polar, with threonine, which is neutral and polar, at codon 34907 of the TTN protein (p.Ile34907Thr). This variant is not present in population databases (gnomAD no frequency). This variant has not been reported in the literature in individuals affected with TTN-related conditions. Experimental studies and prediction algorithms are not available or were not evaluated, and the functional significance of this variant is currently unknown. This variant is located in the M band of TTN (PMID: 25589632). Non-truncating variants in this region may be relevant for neuromuscular disorders, but have not been definitively shown to cause cardiomyopathy (PMID: 23975875). In summary, the available evidence is currently insufficient to determine the role of this variant in disease. Therefore, it has been classified as a Variant of Uncertain Significance.

Literature cited by the submitters: PubMed 25589632; PubMed 23975875.